The following is an entry in ClinVar:

NM_001286445.3(RIPOR2):c.1675A>G (p.Thr559Ala)

Gene: RIPOR2 (RHO family interacting cell polarization regulator 2; minus strand). Cytogenetic location: 6p22.3.
Variant type: single nucleotide variant.
Coding change: c.1675A>G on transcript NM_001286445.3 (MANE Select); coding-DNA position 1675, A replaced by G.
Protein change: p.Thr559Ala; replaces threonine 559 with alanine.
Molecular consequence: missense variant.
Genome position (GRCh38, 1-based): chr6:24,843,044, T>C on the plus strand (A>G on the coding strand, the complement: RIPOR2 is on the minus strand). VCF-style: chr6-24843044-T-C. GRCh37 (hg19) VCF-style: chr6-24843272-T-C.
Other names: c.1690A>G, p.Thr564Ala (NM_001286446.3); c.1588A>G, p.Thr530Ala (NM_001286447.2, NM_001346031.2, NM_001346032.2 and 1 more transcripts); c.1738A>G, p.Thr580Ala (NM_014722.5); short protein forms T580A, T559A, T564A, T530A.
Identifiers: ClinVar variation 4778736 (VCV004778736.1).

ClinVar aggregate classification (germline): Uncertain significance (1 of 4 stars; one submission).

gnomAD v4.1: 9 of 1,612,222 alleles (0.00056%); highest among the groups gnomAD compares: Non-Finnish European, 0.00076%; no homozygotes.

Submission:

Labcorp Genetics (formerly Invitae), Labcorp
Classification: Uncertain significance. Last evaluated: 2025-06-27. Review status: criteria provided, single submitter. Criteria: Invitae Variant Classification Sherloc (09022015). Collection method: clinical testing. Allele origin: germline.
Comment: This sequence change replaces threonine, which is neutral and polar, with alanine, which is neutral and non-polar, at codon 580 of the FAM65B protein (p.Thr580Ala). This variant is present in population databases (no rsID available, gnomAD 0.003%). This variant has not been reported in the literature in individuals affected with FAM65B-related conditions. An algorithm developed to predict the effect of missense changes on protein structure and function outputs the following: PolyPhen-2: "Benign". The alanine amino acid residue is found in multiple mammalian species, which suggests that this missense change does not adversely affect protein function. In summary, the available evidence is currently insufficient to determine the role of this variant in disease. Therefore, it has been classified as a Variant of Uncertain Significance.